The following is an entry in ClinVar:

ClinVar aggregate classification (germline): Uncertain significance (1 of 4 stars; one submission).

Conditions:
Immunodeficiency 104. Also called: Severe combined immunodeficiency, autosomal recessive, T cell-negative, B cell-positive, NK cell-positive; SCID, AUTOSOMAL RECESSIVE, T CELL-NEGATIVE, B CELL-POSITIVE, NK CELL-POSITIVE; IMMUNODEFICIENCY 104, SEVERE COMBINED; Severe Combined Immune Deficiency, Autosomal Recessive, TCell -Negative, B Cell-Positive, NK Cell-Positive, IL7R-Related. Identifiers: MedGen C5676890, MONDO:0012163, OMIM 608971.

Submission:

Labcorp Genetics (formerly Invitae), Labcorp
Classification: Uncertain significance for Immunodeficiency 104. Last evaluated: 2023-06-05. Review status: criteria provided, single submitter. Criteria: Invitae Variant Classification Sherloc (09022015). Collection method: clinical testing. Allele origin: germline.
Comment: This variant has not been reported in the literature in individuals affected with IL7R-related conditions. This variant is not present in population databases (gnomAD no frequency). This sequence change replaces glutamic acid, which is acidic and polar, with valine, which is neutral and non-polar, at codon 79 of the IL7R protein (p.Glu79Val). Advanced modeling of protein sequence and biophysical properties (such as structural, functional, and spatial information, amino acid conservation, physicochemical variation, residue mobility, and thermodynamic stability) performed at Invitae indicates that this missense variant is not expected to disrupt IL7R protein function. In summary, the available evidence is currently insufficient to determine the role of this variant in disease. Therefore, it has been classified as a Variant of Uncertain Significance.

NM_002185.5(IL7R):c.236A>T (p.Glu79Val)

Gene: IL7R (interleukin 7 receptor; plus strand). Cytogenetic location: 5p13.2.
Variant type: single nucleotide variant.
Coding change: c.236A>T on transcript NM_002185.5 (MANE Select); coding-DNA position 236, A replaced by T.
Protein change: p.Glu79Val; replaces glutamic acid 79 with valine.
Molecular consequence: missense variant. On other transcripts: non-coding transcript variant (1).
Genome position (GRCh38, 1-based): chr5:35,867,320, A>T. VCF-style: chr5-35867320-A-T. GRCh37 (hg19) VCF-style: chr5-35867422-A-T.
Other names: c.236A>T, p.Glu79Val (NM_001410734.1); short protein forms E79V.
Identifiers: ClinVar variation 2715577 (VCV002715577.3), dbSNP rs2531561257, ClinGen allele CA359427660.